The following is an entry in ClinVar:

NM_003924.4(PHOX2B):c.429+4C>T

Gene: PHOX2B (paired like homeobox 2B; minus strand). Cytogenetic location: 4p13.
Variant type: single nucleotide variant.
Coding change: c.429+4C>T on transcript NM_003924.4 (MANE Select); 4 bases into the intron after coding-DNA position 429, C replaced by T.
Molecular consequence: intron variant.
Genome position (GRCh38, 1-based): chr4:41,747,345, G>A on the plus strand (C>T on the coding strand, the complement: PHOX2B is on the minus strand). VCF-style: chr4-41747345-G-A. GRCh37 (hg19) VCF-style: chr4-41749362-G-A.
Identifiers: ClinVar variation 535770 (VCV000535770.14), dbSNP rs1173248729, ClinGen allele CA551141213.
Genomic context (GRCh38, chr4:41,747,345, plus strand): 5'-CCCCTCACCCCACACCTCCCCGGACCAGTGCGGCGGAGCGGGGTCGGTTTCCAGGCGCGC[G>A]TACCTGGACTCGCGCCTCTGTGAGGTCGATCTTCAGGGCCAGCTCCTCCCGAGTGTAGAT-3'

ClinVar aggregate classification (germline): Uncertain significance. Review status: criteria provided, multiple submitters, no conflicts (2 of 4 stars). 2 submissions from 2 submitters: Uncertain significance (2). Last evaluated 2025-08-04.

Conditions:
Haddad syndrome (OHD). Also called: Ondine-Hirschsprung disease. Identifiers: Orphanet 99803, MedGen C1859049, MONDO:0020493.
Hereditary cancer-predisposing syndrome. Also called: Neoplastic Syndromes, Hereditary; Tumor predisposition; Hereditary Cancer Syndrome; Hereditary neoplastic syndrome. Identifiers: Orphanet 140162, MedGen C0027672, MeSH D009386, MONDO:0015356.

Allele frequency attached by ClinVar (database versions not stated): TOPMed below 0.00001; gnomAD 0.00001.

Submissions (2):

Ambry Genetics
Classification: Uncertain significance for Hereditary cancer-predisposing syndrome. Last evaluated: 2025-08-04. Review status: criteria provided, single submitter. Criteria: Ambry Variant Classification Scheme 2023. Collection method: clinical testing. Allele origin: germline.
Comment: The c.429+4C>T intronic variant results from a C to T substitution 4 nucleotides after coding exon 2 in the PHOX2B gene. This nucleotide position is not well conserved in available vertebrate species. In silico splice site analysis predicts that this alteration will not have any significant effect on splicing. Based on the available evidence, the clinical significance of this variant remains unclear.

Labcorp Genetics (formerly Invitae), Labcorp
Classification: Uncertain significance for Haddad syndrome. Last evaluated: 2025-07-23. Review status: criteria provided, single submitter. Criteria: Invitae Variant Classification Sherloc (09022015). Collection method: clinical testing. Allele origin: germline.
Comment: This sequence change falls in intron 2 of the PHOX2B gene. It does not directly change the encoded amino acid sequence of the PHOX2B protein. It affects a nucleotide within the consensus splice site. The frequency data for this variant in the population databases is considered unreliable, as metrics indicate poor data quality at this position in the gnomAD database. This variant has not been reported in the literature in individuals affected with PHOX2B-related conditions. ClinVar contains an entry for this variant (Variation ID: 535770). Variants that disrupt the consensus splice site are a relatively common cause of aberrant splicing (PMID: 17576681, 9536098). Algorithms developed to predict the effect of sequence changes on RNA splicing suggest that this variant is not likely to affect RNA splicing. In summary, the available evidence is currently insufficient to determine the role of this variant in disease. Therefore, it has been classified as a Variant of Uncertain Significance.

Literature cited by the submitters: PubMed 17576681 (cited by Labcorp Genetics (formerly Invitae), Labcorp); PubMed 9536098 (cited by Labcorp Genetics (formerly Invitae), Labcorp).